The following is an entry in ClinVar:

NM_025000.4(DCAF17):c.*3703A>G

Gene: DCAF17 (DDB1 and CUL4 associated factor 17; plus strand). Cytogenetic location: 2q31.1.
Variant type: single nucleotide variant.
Coding change: c.*3703A>G on transcript NM_025000.4 (MANE Select); 3703 bases downstream of the stop codon, A replaced by G.
Molecular consequence: 3 prime UTR variant. On other transcripts: non-coding transcript variant (1).
Genome position (GRCh38, 1-based): chr2:171,484,817, A>G. VCF-style: chr2-171484817-A-G. GRCh37 (hg19) VCF-style: chr2-172341327-A-G.
Other names: c.*3703A>G (NM_001164821.2).
Identifiers: ClinVar variation 332313 (VCV000332313.6), dbSNP rs9789572, ClinGen allele CA1965164.

ClinVar aggregate classification (germline): Benign. Review status: criteria provided, multiple submitters, no conflicts (2 of 4 stars). 2 submissions from 2 submitters: Benign (2). Last evaluated 2018-01-13.

Conditions:
Woodhouse-Sakati syndrome. Also called: Hypogonadism, Alopecia, Diabetes Mellitus, Mental Retardation, and Extrapyramidal Syndrome; Hypogonadism, diabetes mellitus, alopecia, mental retardation and electrocardiographic abnormalities; EXTRAPYRAMIDAL DISORDER, PROGRESSIVE, WITH PRIMARY HYPOGONADISM, MENTAL RETARDATION, AND ALOPECIA. Identifiers: Orphanet 3464, MedGen C0342286, MONDO:0009419, OMIM 241080.

Allele frequency attached by ClinVar (database versions not stated): 1000 Genomes Project 30x 0.21065; gnomAD exomes 0.24322 and 0.23092; gnomAD 0.20178 and 0.19820; 1000 Genomes Project 0.20647; TOPMed 0.20132; ExAC 0.26338.
gnomAD v4.1: 100,211 of 453,782 alleles (22%); highest among the groups gnomAD compares: Admixed American, 32%; 11,896 homozygotes.

Submissions (2):

Illumina Laboratory Services, Illumina
Classification: Benign for Woodhouse-Sakati syndrome. Last evaluated: 2018-01-13. Review status: criteria provided, single submitter. Criteria: ICSL Variant Classification Criteria 13 December 2019. Collection method: clinical testing. Allele origin: germline.
Comment: This variant was observed in the ICSL laboratory as part of a predisposition screen in an ostensibly healthy population. It had not been previously curated by ICSL or reported in the Human Gene Mutation Database (HGMD: prior to June 1st, 2018), and was therefore a candidate for classification through an automated scoring system. Utilizing variant allele frequency, disease prevalence and penetrance estimates, and inheritance mode, an automated score was calculated to assess if this variant is too frequent to cause the disease. Based on the score and internal cut-off values, a variant classified as benign is not then subjected to further curation. The score for this variant resulted in a classification of benign for this disease.

Breakthrough Genomics
Classification: Benign. Review status: criteria provided, single submitter. Criteria: ACMG Guidelines, 2015. Collection method: not provided. Allele origin: germline. Inheritance: Autosomal recessive inheritance. Affected: yes.